The following is an entry in ClinVar:

ClinVar aggregate classification (germline): Uncertain significance. Review status: criteria provided, multiple submitters, no conflicts (2 of 4 stars). 2 submissions from 2 submitters: Uncertain significance (2). Last evaluated 2025-07-12.

Conditions:
Inborn genetic diseases. Identifiers: MedGen C0950123, MeSH D030342.

Allele frequency attached by ClinVar (database versions not stated): ExAC 0.00002; gnomAD 0.00003; gnomAD exomes 0.00001; TOPMed 0.00002; ESP Exome Variant Server 0.00008.
gnomAD v4.1: 22 of 1,613,434 alleles (0.0014%); highest among the groups gnomAD compares: African/African-American, 0.004%; no homozygotes.

Submissions (2):

Ambry Genetics
Classification: Uncertain significance for Inborn genetic diseases. Last evaluated: 2025-07-12. Review status: criteria provided, single submitter. Criteria: Ambry Variant Classification Scheme 2023. Collection method: clinical testing. Allele origin: germline.

Labcorp Genetics (formerly Invitae), Labcorp
Classification: Uncertain significance. Last evaluated: 2022-06-07. Review status: criteria provided, single submitter. Criteria: Invitae Variant Classification Sherloc (09022015). Collection method: clinical testing. Allele origin: germline.
Comment: This variant is present in population databases (rs372335440, gnomAD 0.02%). This sequence change replaces alanine, which is neutral and non-polar, with valine, which is neutral and non-polar, at codon 1042 of the TTLL5 protein (p.Ala1042Val). This variant has not been reported in the literature in individuals affected with TTLL5-related conditions. Algorithms developed to predict the effect of missense changes on protein structure and function are either unavailable or do not agree on the potential impact of this missense change (SIFT: "Deleterious"; PolyPhen-2: "Benign"; Align-GVGD: "Class C0"). In summary, the available evidence is currently insufficient to determine the role of this variant in disease. Therefore, it has been classified as a Variant of Uncertain Significance.

NM_015072.5(TTLL5):c.3125C>T (p.Ala1042Val)

Gene: TTLL5 (tubulin tyrosine ligase like 5; plus strand). Cytogenetic location: 14q24.3.
Variant type: single nucleotide variant.
Coding change: c.3125C>T on transcript NM_015072.5 (MANE Select); coding-DNA position 3125, C replaced by T.
Protein change: p.Ala1042Val; replaces alanine 1042 with valine.
Molecular consequence: missense variant.
Genome position (GRCh38, 1-based): chr14:75,793,054, C>T. VCF-style: chr14-75793054-C-T. GRCh37 (hg19) VCF-style: chr14-76259397-C-T.
Other names: c.3125C>T (NM_015072.4); short protein forms A1042V.
Identifiers: ClinVar variation 2069081 (VCV002069081.5), dbSNP rs372335440, ClinGen allele CA7279894.